The following is an entry in ClinVar:

NM_002185.5(IL7R):c.*2429T>C

Gene: IL7R (interleukin 7 receptor; plus strand). Cytogenetic location: 5p13.2.
Variant type: single nucleotide variant.
Coding change: c.*2429T>C on transcript NM_002185.5 (MANE Select); 2429 bases downstream of the stop codon, T replaced by C.
Molecular consequence: 3 prime UTR variant. On other transcripts: non-coding transcript variant (1).
Genome position (GRCh38, 1-based): chr5:35,878,915, T>C. VCF-style: chr5-35878915-T-C. GRCh37 (hg19) VCF-style: chr5-35879017-T-C.
Identifiers: ClinVar variation 905810 (VCV000905810.4), dbSNP rs548166315, ClinGen allele CA116978778.

ClinVar aggregate classification (germline): Likely benign (1 of 4 stars; one submission).

Conditions:
Immunodeficiency 104. Also called: IMMUNODEFICIENCY 104, SEVERE COMBINED; Severe combined immunodeficiency, autosomal recessive, T cell-negative, B cell-positive, NK cell-positive; SCID, AUTOSOMAL RECESSIVE, T CELL-NEGATIVE, B CELL-POSITIVE, NK CELL-POSITIVE; Severe Combined Immune Deficiency, Autosomal Recessive, TCell -Negative, B Cell-Positive, NK Cell-Positive, IL7R-Related. Identifiers: MedGen C5676890, MONDO:0012163, OMIM 608971.

Allele frequency attached by ClinVar (database versions not stated): gnomAD exomes 0.00031; gnomAD 0.00135 and 0.00138; TOPMed 0.00157; 1000 Genomes Project 30x 0.00250; 1000 Genomes Project 0.00260.
gnomAD v4.1: 233 of 232,982 alleles (0.1%); highest among the groups gnomAD compares: African/African-American, 0.47%; no homozygotes.

Submission:

Illumina Laboratory Services, Illumina
Classification: Likely benign for Immunodeficiency 104. Last evaluated: 2018-01-13. Review status: criteria provided, single submitter. Criteria: ICSL Variant Classification Criteria 13 December 2019. Collection method: clinical testing. Allele origin: germline.
Comment: This variant was observed in the ICSL laboratory as part of a predisposition screen in an ostensibly healthy population. It had not been previously curated by ICSL or reported in the Human Gene Mutation Database (HGMD: prior to June 1st, 2018), and was therefore a candidate for classification through an automated scoring system. Utilizing variant allele frequency, disease prevalence and penetrance estimates, and inheritance mode, an automated score was calculated to assess if this variant is too frequent to cause the disease. Based on the score and internal cut-off values, a variant classified as likely benign is not then subjected to further curation. The score for this variant resulted in a classification of likely benign for this disease.